The following is an entry in ClinVar:

NM_182914.3(SYNE2):c.16479+5A>G

Gene: SYNE2 (spectrin repeat containing nuclear envelope protein 2; plus strand). Cytogenetic location: 14q23.2.
Variant type: single nucleotide variant.
Coding change: c.16479+5A>G on transcript NM_182914.3 (MANE Select); 5 bases into the intron after coding-DNA position 16479, A replaced by G.
Molecular consequence: intron variant.
Genome position (GRCh38, 1-based): chr14:64,163,586, A>G. VCF-style: chr14-64163586-A-G. GRCh37 (hg19) VCF-style: chr14-64630304-A-G.
Other names: c.16479+5A>G (NM_015180.6).
Identifiers: ClinVar variation 4980871 (VCV004980871.1).
Genomic context (GRCh38, chr14:64,163,586, plus strand): 5'-TCCAGAGGGCTGCTTATTTGGAAAAGATGCTGCTTGTGAAAGCAAATGAATTTGAGGTTC[A>G]TCTTTTCTTTCCATTCAAGTTTTAGTCTTAGACATTTGCATTCCATCCTCAATCCCTTGT-3'

ClinVar aggregate classification (germline): Uncertain significance (1 of 4 stars; one submission).

Conditions:
SYNE2-related disorder. Also called: SYNE2-related condition.

gnomAD v4.1: 3 of 1,613,946 alleles (0.00019%); highest among the groups gnomAD compares: Non-Finnish European, 0.00025%; no homozygotes.

Submission:

PreventionGenetics, part of Exact Sciences
Classification: Uncertain significance for SYNE2-related condition. Last evaluated: 2025-02-21. Review status: criteria provided, single submitter. Criteria: ACMG Guidelines, 2015. Collection method: clinical testing. Allele origin: germline.
Comment: The SYNE2 c.16479+5A>G variant is predicted to interfere with splicing. To our knowledge, this variant has not been reported in the literature. This variant is reported in 0.00088% of alleles in individuals of European (non-Finnish) descent in gnomAD. At this time, the clinical significance of this variant is uncertain due to the absence of conclusive functional and genetic evidence.